The following is an entry in ClinVar:

ClinVar aggregate classification (germline): Likely pathogenic (1 of 4 stars; one submission).

Conditions:
Primary ciliary dyskinesia. Also called: Ciliary dyskinesia. Identifiers: Orphanet 244, MedGen C0008780, MONDO:0016575, HP:0012265.

Submission:

Natera, Inc.
Classification: Likely pathogenic for Primary ciliary dyskinesia. Last evaluated: 2024-10-14. Review status: criteria provided, single submitter. Criteria: Natera Variant Classification Schema (03/2026). Collection method: clinical testing. Allele origin: germline.
Comment: The c.12706-2A>T variant in DNAH5 is a canonical splice acceptor site variant predicted to affect pre-mRNA splicing, which may result in an abnormal transcript and altered protein product. This variant may result in a truncated or dysfunctional protein product. This variant is rare in the general population with a frequency below the threshold expected for the associated phenotype(s). This variant has been observed in one or more individuals affected with the associated recessive disease, as either homozygous or compound heterozygous with a second variant (PMID: 30850195). Given the available evidence, this variant is classified as Likely Pathogenic.

Literature cited by the submitters: PubMed 30850195.

NM_001369.3(DNAH5):c.12706-2A>T

Gene: DNAH5 (dynein axonemal heavy chain 5; minus strand). Cytogenetic location: 5p15.2.
Variant type: single nucleotide variant.
Coding change: c.12706-2A>T on transcript NM_001369.3 (MANE Select); the canonical splice acceptor site of the intron before coding-DNA position 12706, A replaced by T.
Molecular consequence: splice acceptor variant.
Genome position (GRCh38, 1-based): chr5:13,716,692, T>A on the plus strand (A>T on the coding strand, the complement: DNAH5 is on the minus strand). VCF-style: chr5-13716692-T-A. GRCh37 (hg19) VCF-style: chr5-13716801-T-A.
Identifiers: ClinVar variation 4814859 (VCV004814859.1).
Genomic context (GRCh38, chr5:13,716,692, plus strand): 5'-ACTCTGCCTCCATATTGAATCTCTCCTATCATGTAGCGGATGGTGGTCCAGGAGACACCC[T>A]GGGAAATTTTATAGAATAATTATGTAGAACTGACTACCGTTGCATTATTATTTCCCTGCC-3'